The following is an entry in ClinVar:

ClinVar aggregate classification (germline): Uncertain significance. Review status: criteria provided, multiple submitters, no conflicts (2 of 4 stars). 3 submissions from 3 submitters: Uncertain significance (3). Last evaluated 2019-10-18.

Conditions:
Dilated cardiomyopathy 1G (CMD1G). Identifiers: Orphanet 154, MedGen C1858763, MONDO:0011400, OMIM 604145.
Autosomal recessive limb-girdle muscular dystrophy type 2J (LGMDR10). Also called: Limb-girdle muscular dystrophy, type 2J; MUSCULAR DYSTROPHY, LIMB-GIRDLE, AUTOSOMAL RECESSIVE 10. Identifiers: Orphanet 140922, MedGen C1837342, MONDO:0012127, OMIM 608807.
Cardiovascular phenotype. Identifiers: MedGen CN230736.

Allele frequency attached by ClinVar (database versions not stated): TOPMed 0.00001; gnomAD 0.00002 and 0.00003.
gnomAD v4.1: 19 of 1,613,388 alleles (0.0012%); highest among the groups gnomAD compares: East Asian, 0.0045%; no homozygotes.

Submissions (3):

Ambry Genetics
Classification: Uncertain significance for Cardiovascular phenotype. Last evaluated: 2019-10-18. Review status: criteria provided, single submitter. Criteria: Ambry Variant Classification Scheme 2023. Collection method: clinical testing. Allele origin: germline.
Comment: The p.R20542W variant (also known as c.61624C>T), located in coding exon 159 of the TTN gene, results from a C to T substitution at nucleotide position 61624. The arginine at codon 20542 is replaced by tryptophan, an amino acid with dissimilar properties. This amino acid position is highly conserved in available vertebrate species. In addition, the in silico prediction for this alteration is inconclusive. Since supporting evidence is limited at this time, the clinical significance of this alteration remains unclear.

Eurofins Ntd Llc (ga)
Classification: Uncertain significance. Last evaluated: 2018-01-04. Review status: criteria provided, single submitter. Criteria: EGL Classification Definitions 2015. Collection method: clinical testing. Allele origin: germline. Observed: 1 variant allele, 1 heterozygote.

Labcorp Genetics (formerly Invitae), Labcorp
Classification: Uncertain significance for Dilated cardiomyopathy 1G; Autosomal recessive limb-girdle muscular dystrophy type 2J. Last evaluated: 2016-07-31. Review status: criteria provided, single submitter. Criteria: Invitae Variant Classification Sherloc (09022015). Collection method: clinical testing. Allele origin: germline.

NM_001267550.2(TTN):c.88819C>T (p.Arg29607Trp)

Genes: TTN-AS1 (TTN antisense RNA 1; plus strand), TTN (titin; minus strand). Cytogenetic location: 2q31.2.
Variant type: single nucleotide variant.
Coding change: c.88819C>T on transcript NM_001267550.2 (MANE Select); coding-DNA position 88819, C replaced by T.
Protein change: p.Arg29607Trp; replaces arginine 29607 with tryptophan.
Molecular consequence: missense variant.
Genome position (GRCh38, 1-based): chr2:178,554,528, G>A on the plus strand (C>T on the coding strand, the complement: TTN is on the minus strand). VCF-style: chr2-178554528-G-A. GRCh37 (hg19) VCF-style: chr2-179419255-G-A.
Other names: c.83896C>T, p.Arg27966Trp (NM_001256850.1); c.61624C>T, p.Arg20542Trp (NM_003319.4); c.81115C>T, p.Arg27039Trp (NM_133378.4); c.61999C>T, p.Arg20667Trp (NM_133432.3); c.62200C>T, p.Arg20734Trp (NM_133437.4); short protein forms R29607W, R27039W, R20734W, R20542W, R20667W, R27966W.
Identifiers: ClinVar variation 404844 (VCV000404844.9), dbSNP rs781330566, ClinGen allele CA1988071.